The following is an entry in ClinVar:

ClinVar aggregate classification (germline): Pathogenic (1 of 4 stars; one submission).

Submission:

Labcorp Genetics (formerly Invitae), Labcorp
Classification: Pathogenic. Last evaluated: 2023-02-22. Review status: criteria provided, single submitter. Criteria: Invitae Variant Classification Sherloc (09022015). Collection method: clinical testing. Allele origin: germline.
Comment: For these reasons, this variant has been classified as Pathogenic. This variant has not been reported in the literature in individuals affected with ERCC2-related conditions. This variant is not present in population databases (gnomAD no frequency). This sequence change creates a premature translational stop signal (p.Glu20Serfs*36) in the ERCC2 gene. It is expected to result in an absent or disrupted protein product. Loss-of-function variants in ERCC2 are known to be pathogenic (PMID: 9238033, 11335038, 19085937, 19934020).

Literature cited by the submitters: PubMed 9238033; PubMed 11335038; PubMed 19085937; PubMed 19934020.

NM_000400.4(ERCC2):c.57del (p.Glu20fs)

Gene: ERCC2 (ERCC excision repair 2, TFIIH core complex helicase subunit; minus strand). Cytogenetic location: 19q13.32.
Variant type: Deletion.
Coding change: c.57del on transcript NM_000400.4 (MANE Select); coding-DNA position 57, one base deleted (C; older notation c.57delC).
Protein change: p.Glu20fs; shifts the reading frame from glutamic acid 20.
Molecular consequence: frameshift variant. On other transcripts: 5 prime UTR variant (1).
Genome position (GRCh38, 1-based): chr19:45,370,181, G deleted on the plus strand (C on the coding strand, the reverse complement: ERCC2 is on the minus strand); the first of 4 consecutive G bases (chr19:45,370,181-45,370,184); deleting any one gives the same sequence. VCF-style (leftmost placement, unchanged base first): chr19-45370180-CG-C. GRCh37 (hg19) VCF-style: chr19-45873438-CG-C.
Other names: c.-16del (NM_001130867.2); short protein forms E20fs.
Identifiers: ClinVar variation 2839851 (VCV002839851.3), dbSNP rs2514048536, ClinGen allele CA2739276902.
Genomic context (GRCh38, chr19:45,370,180, plus strand): 5'-ACCGGCCACCCACCTTGGCGTCCAGCGTGCGTTTGAGCTCCCGCATGTAGGAGAACTGCT[CG>C]GGGTAGATGTAGTCGTACGGGAAGTAGACCAGGAGCCCGTCCACGTTGAGCCTGGCGGCA-3'